The following is an entry in ClinVar:

ClinVar aggregate classification (germline): Uncertain significance (1 of 4 stars; one submission).

Submission:

Ambry Genetics
Classification: Uncertain significance. Last evaluated: 2025-11-15. Review status: criteria provided, single submitter. Criteria: Ambry Variant Classification Scheme 2023. Collection method: clinical testing. Allele origin: germline.
Comment: The p.P72T variant (also known as c.214C>A), located in coding exon 1 of the MC1R gene, results from a C to A substitution at nucleotide position 214. The proline at codon 72 is replaced by threonine, an amino acid with highly similar properties. This amino acid position is conserved. In addition, the in silico prediction for this alteration is inconclusive. Based on the available evidence, the clinical significance of this variant remains unclear.

NM_002386.4(MC1R):c.214C>A (p.Pro72Thr)

Gene: MC1R (melanocortin 1 receptor; plus strand). Cytogenetic location: 16q24.3.
Variant type: single nucleotide variant.
Coding change: c.214C>A on transcript NM_002386.4 (MANE Select); coding-DNA position 214, C replaced by A.
Protein change: p.Pro72Thr; replaces proline 72 with threonine.
Molecular consequence: missense variant.
Genome position (GRCh38, 1-based): chr16:89,919,472, C>A. VCF-style: chr16-89919472-C-A. GRCh37 (hg19) VCF-style: chr16-89985880-C-A.
Other names: short protein forms P72T.
Identifiers: ClinVar variation 4550314 (VCV004550314.1).
Genomic context (GRCh38, chr16:89,919,472, plus strand): 5'-AGCTTGGTGGAGAACGCGCTGGTGGTGGCCACCATCGCCAAGAACCGGAACCTGCACTCA[C>A]CCATGTACTGCTTCATCTGCTGCCTGGCCTTGTCGGACCTGCTGGTGAGCGGGAGCAACG-3'
Protein context (NP_002377.4, residues 62-82): TIAKNRNLHS[Pro72Thr]MYCFICCLAL